The following is an entry in ClinVar:

ClinVar aggregate classification (germline): Uncertain significance (1 of 4 stars; one submission).

gnomAD v4.1: 3 of 1,613,246 alleles (0.00019%); highest among the groups gnomAD compares: Middle Eastern, 0.017%; no homozygotes.

Submission:

Women's Health and Genetics/Laboratory Corporation of America, LabCorp
Classification: Uncertain significance. Last evaluated: 2024-05-23. Review status: criteria provided, single submitter. Criteria: LabCorp Variant Classification Summary - May 2015. Collection method: clinical testing. Allele origin: germline.
Comment: Variant summary: TSHR c.269A>C (p.Gln90Pro) results in a non-conservative amino acid change in the encoded protein sequence. Four of five in-silico tools predict a damaging effect of the variant on protein function. The variant allele was found at a frequency of 4e-06 in 251302 control chromosomes. c.269A>C has been reported in the literature in compound heterozygous individuals affected with Hypothyroidism due to TSH Receptor Mutations (example: Sriphrapradang_2012, Tenenbaum-Rakover_2015) and heterozygous in an individual with thyroid dysgenesis (Franceschi_2023). These data indicate that the variant may be associated with disease. To our knowledge, no experimental evidence demonstrating an impact on protein function has been reported. The following publications have been ascertained in the context of this evaluation (PMID: 36468928, 22313426, 25557138). No submitters have cited clinical-significance assessments for this variant to ClinVar. Based on the evidence outlined above, the variant was classified as VUS-possibly pathogenic.

Literature cited by the submitters: PubMed 25557138; PubMed 36468928; PubMed 22313426.

NM_000369.5(TSHR):c.269A>C (p.Gln90Pro)

Genes: TSHR (thyroid stimulating hormone receptor; plus strand), TSHR-AS1 (TSHR antisense RNA 1; minus strand). Cytogenetic location: 14q31.1.
Variant type: single nucleotide variant.
Coding change: c.269A>C on transcript NM_000369.5 (MANE Select); coding-DNA position 269, A replaced by C.
Protein change: p.Gln90Pro; replaces glutamine 90 with proline.
Molecular consequence: missense variant.
Genome position (GRCh38, 1-based): chr14:81,068,280, A>C. VCF-style: chr14-81068280-A-C. GRCh37 (hg19) VCF-style: chr14-81534624-A-C.
Other names: c.269A>C, p.Gln90Pro (NM_001018036.3, NM_001142626.3); short protein forms Q90P.
Identifiers: ClinVar variation 3336427 (VCV003336427.1).